The following is an entry in ClinVar:

ClinVar aggregate classification (germline): Uncertain significance (1 of 4 stars; one submission).

Conditions:
Cardiovascular phenotype. Identifiers: MedGen CN230736.

gnomAD v4.1: 2 of 1,612,612 alleles (0.00012%); highest among the groups gnomAD compares: Admixed American, 0.0017%; no homozygotes.

Submission:

Ambry Genetics
Classification: Uncertain significance for Cardiovascular phenotype. Last evaluated: 2025-11-10. Review status: criteria provided, single submitter. Criteria: Ambry Variant Classification Scheme 2023. Collection method: clinical testing. Allele origin: germline.
Comment: The p.R759L variant (also known as c.2276G>T), located in coding exon 14 of the SCN10A gene, results from a G to T substitution at nucleotide position 2276. The arginine at codon 759 is replaced by leucine, an amino acid with dissimilar properties. This amino acid position is conserved. In addition, this alteration is predicted to be deleterious by in silico analysis. Based on the available evidence, the clinical significance of this variant remains unclear.

NM_006514.4(SCN10A):c.2276G>T (p.Arg759Leu)

Gene: SCN10A (sodium voltage-gated channel alpha subunit 10; minus strand). Cytogenetic location: 3p22.2.
Variant type: single nucleotide variant.
Coding change: c.2276G>T on transcript NM_006514.4 (MANE Select); coding-DNA position 2276, G replaced by T.
Protein change: p.Arg759Leu; replaces arginine 759 with leucine.
Molecular consequence: missense variant.
Genome position (GRCh38, 1-based): chr3:38,739,519, C>A on the plus strand (G>T on the coding strand, the complement: SCN10A is on the minus strand). VCF-style: chr3-38739519-C-A. GRCh37 (hg19) VCF-style: chr3-38781010-C-A.
Other names: c.2276G>T, p.Arg759Leu (NM_001293306.2); c.1982G>T, p.Arg661Leu (NM_001293307.2); short protein forms R661L, R759L.
Identifiers: ClinVar variation 4614890 (VCV004614890.1).
Genomic context (GRCh38, chr3:38,739,519, plus strand): 5'-TGTCTTCCCTGAATCTGGGTGGGAGTTTCCCCAAGCCATCAAGAGAAAAACATTACCAAG[C>A]GGAAGCTCCGCAGCACAGACAGGCTTCCCTTCTTGGCCACGCCCAGCTCTAGCAGACTCA-3'
Protein context (NP_006505.4, residues 749-769): KGSLSVLRSF[Arg759Leu]LLRVFKLAKS